The following is an entry in ClinVar:

ClinVar aggregate classification (germline): Likely pathogenic (1 of 4 stars; one submission).

Conditions:
Posterior column ataxia-retinitis pigmentosa syndrome (RETSNS). Also called: RETINOPATHY-SENSORY NEUROPATHY SYNDROME. Identifiers: Orphanet 88628, MedGen C1836916, MONDO:0012177, OMIM 609033.

Submission:

Neuberg Centre For Genomic Medicine, NCGM
Classification: Likely pathogenic for Posterior column ataxia-retinitis pigmentosa syndrome. Review status: criteria provided, single submitter. Criteria: ACMG Guidelines, 2015. Collection method: clinical testing. Allele origin: germline. Inheritance: Autosomal recessive inheritance. Affected: yes. Observed: 1 heterozygote.
Comment: The stop gained c.375G>A (p.Trp125Ter)variant in FLVCR1 gene has not been reported previously as a pathogenic variant nor as a benign variant, to our knowledge. This variant is novel (not in any individuals) in gnomAD Exomes and 1000 Genomes. This variant is predicted to cause loss of normal protein function either through protein truncation or nonsense-mediated mRNA decay. Loss of function variants have been previously reported to be disease causing. For these reasons, this variant has been classified as Likely Pathogenic.

NM_014053.4(FLVCR1):c.375G>A (p.Trp125Ter)

Gene: FLVCR1 (FLVCR choline and heme transporter 1; plus strand). Cytogenetic location: 1q32.3.
Variant type: single nucleotide variant.
Coding change: c.375G>A on transcript NM_014053.4 (MANE Select); coding-DNA position 375, G replaced by A.
Protein change: p.Trp125Ter; replaces tryptophan 125 with a stop codon.
Molecular consequence: nonsense.
Genome position (GRCh38, 1-based): chr1:212,858,827, G>A. VCF-style: chr1-212858827-G-A. GRCh37 (hg19) VCF-style: chr1-213032169-G-A.
Other names: short protein forms W125*.
Identifiers: ClinVar variation 3024110 (VCV003024110.1), dbSNP rs2464385404, ClinGen allele CA344795914.